The following is an entry in ClinVar:

NM_020778.5(ALPK3):c.626A>T (p.Glu209Val)

Gene: ALPK3 (alpha kinase 3; plus strand). Cytogenetic location: 15q25.3.
Variant type: single nucleotide variant.
Coding change: c.626A>T on transcript NM_020778.5 (MANE Select); coding-DNA position 626, A replaced by T.
Protein change: p.Glu209Val; replaces glutamic acid 209 with valine.
Molecular consequence: missense variant.
Genome position (GRCh38, 1-based): chr15:84,839,905, A>T. VCF-style: chr15-84839905-A-T. GRCh37 (hg19) VCF-style: chr15-85383136-A-T.
Other names: c.1232A>T (NM_020778.4); short protein forms E209V.
Identifiers: ClinVar variation 2045959 (VCV002045959.5), dbSNP rs1190527481, ClinGen allele CA393373151.

ClinVar aggregate classification (germline): Uncertain significance. Review status: criteria provided, multiple submitters, no conflicts (2 of 4 stars). 2 submissions from 2 submitters: Uncertain significance (2). Last evaluated 2024-05-15.

Conditions:
Cardiovascular phenotype. Identifiers: MedGen CN230736.

Submissions (2):

Labcorp Genetics (formerly Invitae), Labcorp
Classification: Uncertain significance. Last evaluated: 2024-05-15. Review status: criteria provided, single submitter. Criteria: Invitae Variant Classification Sherloc (09022015). Collection method: clinical testing. Allele origin: germline.
Comment: This sequence change replaces glutamic acid, which is acidic and polar, with valine, which is neutral and non-polar, at codon 411 of the ALPK3 protein (p.Glu411Val). This variant is not present in population databases (gnomAD no frequency). This variant has not been reported in the literature in individuals affected with ALPK3-related conditions. ClinVar contains an entry for this variant (Variation ID: 2045959). An algorithm developed to predict the effect of missense changes on protein structure and function (PolyPhen-2) suggests that this variant is likely to be disruptive. In summary, the available evidence is currently insufficient to determine the role of this variant in disease. Therefore, it has been classified as a Variant of Uncertain Significance.

Ambry Genetics
Classification: Uncertain significance for Cardiovascular phenotype. Last evaluated: 2024-04-06. Review status: criteria provided, single submitter. Criteria: Ambry Variant Classification Scheme 2023. Collection method: clinical testing. Allele origin: germline.
Comment: The p.E411V variant (also known as c.1232A>T), located in coding exon 5 of the ALPK3 gene, results from an A to T substitution at nucleotide position 1232. The glutamic acid at codon 411 is replaced by valine, an amino acid with dissimilar properties. This amino acid position is conserved. In addition, this alteration is predicted to be tolerated by in silico analysis. Based on the available evidence, the clinical significance of this variant remains unclear.